The following is an entry in ClinVar:

ClinVar aggregate classification (germline): Uncertain significance (1 of 4 stars; one submission).

Conditions:
Epidermolysis bullosa simplex with nail dystrophy (EBS5D). Identifiers: MedGen C4225309, MONDO:0014661, OMIM 616487.
Epidermolysis bullosa simplex 5C, with pyloric atresia (EBS5C). Also called: PLEC-Related Epidermolysis Bullosa with Pyloric Atresia; Epidermolysis bullosa simplex with pyloric atresia; PLEC1-Related Epidermolysis Bullosa with Pyloric Atresia. Identifiers: Orphanet 158684, MedGen C2677349, MONDO:0012807, OMIM 612138.
Autosomal recessive limb-girdle muscular dystrophy type 2Q (LGMDR17). Also called: MUSCULAR DYSTROPHY, LIMB-GIRDLE, AUTOSOMAL RECESSIVE 17. Identifiers: Orphanet 254361, MedGen C3150989, MONDO:0013390, OMIM 613723.
Epidermolysis bullosa simplex, Ogna type (EBS5A). Also called: Pidermolysis bullosa simplex 5A, Ogna type; EPIDERMOLYSIS BULLOSA SIMPLEX 5A, OGNA TYPE. Identifiers: Orphanet 79401, MedGen C0432317, MONDO:0007555, OMIM 131950.
Epidermolysis bullosa simplex 5B, with muscular dystrophy (EBS5B). Also called: EPIDERMOLYSIS BULLOSA SIMPLEX AND LIMB-GIRDLE MUSCULAR DYSTROPHY; Epidermolysis bullosa simplex with muscular dystrophy. Identifiers: Orphanet 257, MedGen C2931072, MONDO:0009181, OMIM 226670.

Submission:

Labcorp Genetics (formerly Invitae), Labcorp
Classification: Uncertain significance for Autosomal recessive limb-girdle muscular dystrophy type 2Q; Epidermolysis bullosa simplex, Ogna type; Epidermolysis bullosa simplex with nail dystrophy; Epidermolysis bullosa simplex 5C, with pyloric atresia; Epidermolysis bullosa simplex 5B, with muscular dystrophy. Last evaluated: 2022-11-06. Review status: criteria provided, single submitter. Criteria: Invitae Variant Classification Sherloc (09022015). Collection method: clinical testing. Allele origin: germline.
Comment: This variant has not been reported in the literature in individuals affected with PLEC-related conditions. This sequence change replaces aspartic acid, which is acidic and polar, with asparagine, which is neutral and polar, at codon 154 of the PLEC protein (p.Asp154Asn). Information on the frequency of this variant in the gnomAD database is not available, as this variant may be reported differently in the database. Experimental studies and prediction algorithms are not available or were not evaluated, and the functional significance of this variant is currently unknown. In summary, the available evidence is currently insufficient to determine the role of this variant in disease. Therefore, it has been classified as a Variant of Uncertain Significance.

NM_201384.3(PLEC):c.378_379inv (p.Asp127Asn)

Gene: PLEC (plectin; minus strand). Cytogenetic location: 8q24.3.
Variant type: Inversion.
Coding change: c.378_379inv on transcript NM_201384.3 (MANE Select).
Protein change: p.Asp127Asn; replaces aspartic acid 127 with asparagine.
Molecular consequence: missense variant.
Genome position: GRCh38 VCF-style: chr8-143937035-CA-TG. GRCh37 (hg19) VCF-style: chr8-145011203-CA-TG.
Other names: c.459_460inv, p.Asp154Asn (NM_000445.5, NM_001410941.1); c.336_337inv, p.Asp113Asn (NM_201378.4); c.312_313inv, p.Asp105Asn (NM_201379.3); c.789_790inv, p.Asp264Asn (NM_201380.4); c.282_283inv, p.Asp95Asn (NM_201381.3); c.378_379inv, p.Asp127Asn (NM_201382.4); c.390_391inv, p.Asp131Asn (NM_201383.3); short protein forms D105N, D131N, D154N, D95N, D113N, D127N, D264N.
Identifiers: ClinVar variation 2937757 (VCV002937757.3), ClinGen allele CA2740095395.